The following is an entry in ClinVar:

NM_001005273.3(CHD3):c.3249G>A (p.Ser1083=)

Gene: CHD3 (chromodomain helicase DNA binding protein 3; plus strand). Cytogenetic location: 17p13.1.
Variant type: single nucleotide variant.
Coding change: c.3249G>A on transcript NM_001005273.3 (MANE Select); coding-DNA position 3249, G replaced by A.
Protein change: p.Ser1083=; no amino-acid change (serine 1083 retained).
Molecular consequence: synonymous variant.
Genome position (GRCh38, 1-based): chr17:7,901,372, G>A. VCF-style: chr17-7901372-G-A. GRCh37 (hg19) VCF-style: chr17-7804690-G-A.
Other names: c.3426G>A, p.Ser1142= (NM_001005271.3); c.3249G>A, p.Ser1083= (NM_005852.4).
Identifiers: ClinVar variation 3905736 (VCV003905736.10).

ClinVar aggregate classification (germline): Likely benign (1 of 4 stars; one submission).

gnomAD v4.1: 4 of 1,603,372 alleles (0.00025%); highest among the groups gnomAD compares: South Asian, 0.0022%; no homozygotes.

Submission:

CeGaT Center for Human Genetics Tuebingen
Classification: Likely benign. Last evaluated: 2025-05-01. Review status: criteria provided, single submitter. Criteria: CeGaT Center For Human Genetics Tuebingen Variant Classification Criteria Version 2. Collection method: clinical testing. Allele origin: germline. Affected: yes. Observed: 1 variant allele.
Comment: CHD3: BP4, BP7